The following is an entry in ClinVar:

ClinVar aggregate classification (germline): Uncertain significance (1 of 4 stars; one submission).

Submission:

Laboratory for Molecular Medicine, Mass General Brigham Personalized Medicine
Classification: Uncertain significance. Last evaluated: 2013-10-05. Review status: criteria provided, single submitter. Criteria: LMM Criteria. Collection method: clinical testing. Allele origin: germline. Observed: 2 variant alleles.
Comment: Variant classified as Uncertain Significance - Favor Benign. The Asn341Thr varia nt in TMC1 has not been reported in individuals with hearing loss or in large po pulation studies. Computational analyses (biochemical amino acid properties, con servation, AlignGVGD, PolyPhen2, and SIFT) suggest that the Asn341Thr variant ma y not impact the protein, though this information is not predictive enough to ru le out pathogenicity. In summary, additional information is needed to determine the clinical significance of the Asn341Thr variant.

NM_138691.3(TMC1):c.1022A>C (p.Asn341Thr)

Gene: TMC1 (transmembrane channel like 1; plus strand). Cytogenetic location: 9q21.13.
Variant type: single nucleotide variant.
Coding change: c.1022A>C on transcript NM_138691.3 (MANE Select); coding-DNA position 1022, A replaced by C.
Protein change: p.Asn341Thr; replaces asparagine 341 with threonine.
Molecular consequence: missense variant.
Genome position (GRCh38, 1-based): chr9:72,788,476, A>C. VCF-style: chr9-72788476-A-C. GRCh37 (hg19) VCF-style: chr9-75403392-A-C.
Other names: short protein forms N341T.
Identifiers: ClinVar variation 178959 (VCV000178959.5), dbSNP rs727504568, ClinGen allele CA183385.